The following is an entry in ClinVar:

NM_001122681.2(SH3BP2):c.694G>A (p.Gly232Ser)

Gene: SH3BP2 (SH3 domain binding protein 2; plus strand). Cytogenetic location: 4p16.3.
Variant type: single nucleotide variant.
Coding change: c.694G>A on transcript NM_001122681.2 (MANE Select); coding-DNA position 694, G replaced by A.
Protein change: p.Gly232Ser; replaces glycine 232 with serine.
Molecular consequence: missense variant.
Genome position (GRCh38, 1-based): chr4:2,829,600, G>A. VCF-style: chr4-2829600-G-A. GRCh37 (hg19) VCF-style: chr4-2831327-G-A.
Other names: c.778G>A, p.Gly260Ser (NM_001145855.2); c.865G>A, p.Gly289Ser (NM_001145856.2); c.694G>A, p.Gly232Ser (NM_003023.4); short protein forms G289S, G260S, G232S.
Identifiers: ClinVar variation 2061547 (VCV002061547.6), dbSNP rs868684244, ClinGen allele CA91411204.

ClinVar aggregate classification (germline): Conflicting classifications of pathogenicity. Review status: criteria provided, conflicting classifications (1 of 4 stars). 2 submissions from 2 submitters: Uncertain significance (1); Likely benign (1). Last evaluated 2024-02-23.

Conditions:
Fibrous dysplasia of jaw (CRBM). Also called: Cherubism. Identifiers: Orphanet 184, MedGen C0008029, MONDO:0007315, OMIM 118400.
Inborn genetic diseases. Identifiers: MedGen C0950123, MeSH D030342.

Allele frequency attached by ClinVar (database versions not stated): gnomAD exomes 0.00001; gnomAD 0.00004.
gnomAD v4.1: 25 of 1,609,300 alleles (0.0016%); highest among the groups gnomAD compares: Middle Eastern, 0.049%; no homozygotes.

Submissions (2):

Labcorp Genetics (formerly Invitae), Labcorp
Classification: Uncertain significance for Fibrous dysplasia of jaw. Last evaluated: 2024-02-23. Review status: criteria provided, single submitter. Criteria: Invitae Variant Classification Sherloc (09022015). Collection method: clinical testing. Allele origin: germline.
Comment: This sequence change replaces glycine, which is neutral and non-polar, with serine, which is neutral and polar, at codon 232 of the SH3BP2 protein (p.Gly232Ser). This variant is present in population databases (no rsID available, gnomAD 0.003%). This variant has not been reported in the literature in individuals affected with SH3BP2-related conditions. ClinVar contains an entry for this variant (Variation ID: 2061547). Advanced modeling of protein sequence and biophysical properties (such as structural, functional, and spatial information, amino acid conservation, physicochemical variation, residue mobility, and thermodynamic stability) performed at Invitae indicates that this missense variant is not expected to disrupt SH3BP2 protein function with a negative predictive value of 80%. In summary, the available evidence is currently insufficient to determine the role of this variant in disease. Therefore, it has been classified as a Variant of Uncertain Significance.

Ambry Genetics
Classification: Likely benign for Inborn genetic diseases. Last evaluated: 2023-03-20. Review status: criteria provided, single submitter. Criteria: Ambry Variant Classification Scheme 2023. Collection method: clinical testing. Allele origin: germline.